The following is an entry in ClinVar:

NM_182961.4(SYNE1):c.12322G>A (p.Ala4108Thr)

Gene: SYNE1 (spectrin repeat containing nuclear envelope protein 1; minus strand). Cytogenetic location: 6q25.2.
Variant type: single nucleotide variant.
Coding change: c.12322G>A on transcript NM_182961.4 (MANE Select); coding-DNA position 12322, G replaced by A.
Protein change: p.Ala4108Thr; replaces alanine 4108 with threonine.
Molecular consequence: missense variant.
Genome position (GRCh38, 1-based): chr6:152,339,270, C>T on the plus strand (G>A on the coding strand, the complement: SYNE1 is on the minus strand). VCF-style: chr6-152339270-C-T. GRCh37 (hg19) VCF-style: chr6-152660405-C-T.
Other names: c.12109G>A, p.Ala4037Thr (NM_033071.5); short protein forms A4037T, A4108T.
Identifiers: ClinVar variation 2690202 (VCV002690202.5), dbSNP rs372489656, ClinGen allele CA4056445.

ClinVar aggregate classification (germline): Uncertain significance. Review status: criteria provided, multiple submitters, no conflicts (2 of 4 stars). 2 submissions from 2 submitters: Uncertain significance (2). Last evaluated 2025-08-07.

Allele frequency attached by ClinVar (database versions not stated): ExAC 0.00001; TOPMed 0.00003; gnomAD 0.00004; gnomAD exomes 0.00006; ESP Exome Variant Server 0.00008.
gnomAD v4.1: 41 of 1,613,804 alleles (0.0025%); highest among the groups gnomAD compares: Non-Finnish European, 0.0033%; no homozygotes.

Submissions (2):

Women's Health and Genetics/Laboratory Corporation of America, LabCorp
Classification: Uncertain significance. Last evaluated: 2025-08-07. Review status: criteria provided, single submitter. Criteria: LabCorp Variant Classification Summary - May 2015. Collection method: clinical testing. Allele origin: germline.
Comment: Variant summary: SYNE1 c.12109G>A (p.Ala4037Thr) results in a non-conservative amino acid change in the encoded protein sequence. Algorithms developed to predict the effect of missense changes on protein structure and function are either unavailable or do not agree on the potential impact of this missense change. The variant allele was found at a frequency of 2.4e-05 in 251396 control chromosomes. The available data on variant occurrences in the general population are insufficient to allow any conclusion about variant significance. To our knowledge, no occurrence of c.12109G>A in individuals affected with SYNE1-Related Disorders and no experimental evidence demonstrating its impact on protein function have been reported. ClinVar contains an entry for this variant (Variation ID: 2690202). Based on the evidence outlined above, the variant was classified as uncertain significance.

Revvity Omics, Revvity
Classification: Uncertain significance. Last evaluated: 2023-05-03. Review status: criteria provided, single submitter. Criteria: ACMG Guidelines, 2015. Collection method: clinical testing. Allele origin: germline.